The following is an entry in ClinVar:

ClinVar aggregate classification (germline): Uncertain significance (1 of 4 stars; one submission).

Allele frequency attached by ClinVar (database versions not stated): TOPMed below 0.00001.

Submission:

Labcorp Genetics (formerly Invitae), Labcorp
Classification: Uncertain significance. Last evaluated: 2025-04-21. Review status: criteria provided, single submitter. Criteria: Invitae Variant Classification Sherloc (09022015). Collection method: clinical testing. Allele origin: germline.
Comment: This sequence change replaces isoleucine, which is neutral and non-polar, with phenylalanine, which is neutral and non-polar, at codon 330 of the ALPK3 protein (p.Ile330Phe). This variant is not present in population databases (gnomAD no frequency). This variant has not been reported in the literature in individuals affected with ALPK3-related conditions. ClinVar contains an entry for this variant (Variation ID: 2852636). An algorithm developed to predict the effect of missense changes on protein structure and function (PolyPhen-2) suggests that this variant is likely to be disruptive. In summary, the available evidence is currently insufficient to determine the role of this variant in disease. Therefore, it has been classified as a Variant of Uncertain Significance.

NM_020778.5(ALPK3):c.382A>T (p.Ile128Phe)

Gene: ALPK3 (alpha kinase 3; plus strand). Cytogenetic location: 15q25.3.
Variant type: single nucleotide variant.
Coding change: c.382A>T on transcript NM_020778.5 (MANE Select); coding-DNA position 382, A replaced by T.
Protein change: p.Ile128Phe; replaces isoleucine 128 with phenylalanine.
Molecular consequence: missense variant.
Genome position (GRCh38, 1-based): chr15:84,839,057, A>T. VCF-style: chr15-84839057-A-T. GRCh37 (hg19) VCF-style: chr15-85382288-A-T.
Other names: short protein forms I128F.
Identifiers: ClinVar variation 2852636 (VCV002852636.3), dbSNP rs1291370648, ClinGen allele CA393371951.